The following is an entry in ClinVar:

NM_025243.4(SLC19A3):c.586A>G (p.Ser196Gly)

Gene: SLC19A3 (solute carrier family 19 member 3; minus strand). Cytogenetic location: 2q36.3.
Variant type: single nucleotide variant.
Coding change: c.586A>G on transcript NM_025243.4 (MANE Select); coding-DNA position 586, A replaced by G.
Protein change: p.Ser196Gly; replaces serine 196 with glycine.
Molecular consequence: missense variant.
Genome position (GRCh38, 1-based): chr2:227,699,129, T>C on the plus strand (A>G on the coding strand, the complement: SLC19A3 is on the minus strand). VCF-style: chr2-227699129-T-C. GRCh37 (hg19) VCF-style: chr2-228563845-T-C.
Other names: c.586A>G, p.Ser196Gly (NM_001371411.1, NM_001371412.1); c.574A>G, p.Ser192Gly (NM_001371413.1, NM_001371414.1); short protein forms S196G, S192G.
Identifiers: ClinVar variation 1436922 (VCV001436922.3), dbSNP rs1457858397, ClinGen allele CA350876914.
Genomic context (GRCh38, chr2:227,699,129, plus strand): 5'-CTGGATTCACGCTTGATGACTTCTTTATTTCTCTGCTGGGTTTTGCATGAAAAAACATGC[T>C]TTTCTTGGGCATTGGTAGGAAAAGTGAGAAAAGGAAAGCCACGGAGACAGAGGCCAAGGA-3'
Protein context (NP_079519.1, residues 186-206): FSLFLPMPKK[Ser196Gly]MFFHAKPSRE

ClinVar aggregate classification (germline): Uncertain significance (1 of 4 stars; one submission).

Conditions:
Biotin-responsive basal ganglia disease (BTBGD). Also called: Thiamine metabolism dysfunction syndrome type 2; Thiamine Transporter-2 Deficiency; THIAMINE METABOLISM DYSFUNCTION SYNDROME 2 (BIOTIN- AND THIAMINE-RESPONSIVE TYPE); Thiamine metabolism dysfunction syndrome 2 (biotin- or thiamine-responsive encephalopathy type 2); thiamine-responsive encephalopathy. Identifiers: Orphanet 199348, Orphanet 65284, MedGen C1843807, MONDO:0011841, OMIM 607483.

Allele frequency attached by ClinVar (database versions not stated): gnomAD exomes below 0.00001 and 0.00001.
gnomAD v4.1: 4 of 1,614,174 alleles (0.00025%); highest among the groups gnomAD compares: Non-Finnish European, 0.00034%; no homozygotes.

Submission:

Labcorp Genetics (formerly Invitae), Labcorp
Classification: Uncertain significance for Biotin-responsive basal ganglia disease. Last evaluated: 2021-11-07. Review status: criteria provided, single submitter. Criteria: Invitae Variant Classification Sherloc (09022015). Collection method: clinical testing. Allele origin: germline.
Comment: This sequence change replaces serine, which is neutral and polar, with glycine, which is neutral and non-polar, at codon 196 of the SLC19A3 protein (p.Ser196Gly). This variant is present in population databases (no rsID available, gnomAD 0.0009%). This variant has not been reported in the literature in individuals affected with SLC19A3-related conditions. Advanced modeling of protein sequence and biophysical properties (such as structural, functional, and spatial information, amino acid conservation, physicochemical variation, residue mobility, and thermodynamic stability) performed at Invitae indicates that this missense variant is expected to disrupt SLC19A3 protein function. In summary, the available evidence is currently insufficient to determine the role of this variant in disease. Therefore, it has been classified as a Variant of Uncertain Significance.